The following is an entry in ClinVar:

NM_138694.4(PKHD1):c.2688G>A (p.Met896Ile)

Gene: PKHD1 (PKHD1 ciliary IPT domain containing fibrocystin/polyductin; minus strand). Cytogenetic location: 6p12.2.
Variant type: single nucleotide variant.
Coding change: c.2688G>A on transcript NM_138694.4 (MANE Select); coding-DNA position 2688, G replaced by A.
Protein change: p.Met896Ile; replaces methionine 896 with isoleucine.
Molecular consequence: missense variant.
Genome position (GRCh38, 1-based): chr6:52,044,993, C>T on the plus strand (G>A on the coding strand, the complement: PKHD1 is on the minus strand). VCF-style: chr6-52044993-C-T. GRCh37 (hg19) VCF-style: chr6-51909791-C-T.
Other names: c.2688G>A, p.Met896Ile (NM_170724.3); short protein forms M896I.
Identifiers: ClinVar variation 3712336 (VCV003712336.2).

ClinVar aggregate classification (germline): Uncertain significance (1 of 4 stars; one submission).

Conditions:
Autosomal recessive polycystic kidney disease (ARPKD). Also called: AR polycystic kidney disease. Identifiers: Orphanet 731, Orphanet 8378, MedGen C0085548, MeSH D017044, MONDO:0009889.

Submission:

Labcorp Genetics (formerly Invitae), Labcorp
Classification: Uncertain significance for Autosomal recessive polycystic kidney disease. Last evaluated: 2025-01-27. Review status: criteria provided, single submitter. Criteria: Invitae Variant Classification Sherloc (09022015). Collection method: clinical testing. Allele origin: germline.
Comment: This sequence change replaces methionine, which is neutral and non-polar, with isoleucine, which is neutral and non-polar, at codon 896 of the PKHD1 protein (p.Met896Ile). This variant is not present in population databases (gnomAD no frequency). This variant has not been reported in the literature in individuals affected with PKHD1-related conditions. Invitae Evidence Modeling of protein sequence and biophysical properties (such as structural, functional, and spatial information, amino acid conservation, physicochemical variation, residue mobility, and thermodynamic stability) has been performed for this missense variant. However, the output from this modeling did not meet the statistical confidence thresholds required to predict the impact of this variant on PKHD1 protein function. In summary, the available evidence is currently insufficient to determine the role of this variant in disease. Therefore, it has been classified as a Variant of Uncertain Significance.